The following is an entry in ClinVar:

ClinVar aggregate classification (germline): Uncertain significance (0 of 4 stars; one submission).

Conditions:
LZTFL1-related disorder. Also called: LZTFL1-related condition.

Allele frequency attached by ClinVar (database versions not stated): TOPMed 0.00005; gnomAD 0.00005.
gnomAD v4.1: 42 of 1,533,930 alleles (0.0027%); highest among the groups gnomAD compares: Non-Finnish European, 0.0035%; no homozygotes.

Submission:

PreventionGenetics, part of Exact Sciences
Classification: Uncertain significance for LZTFL1-related condition. Last evaluated: 2024-02-09. Review status: no assertion criteria provided. Collection method: clinical testing. Allele origin: germline.
Comment: The LZTFL1 c.52T>G variant is predicted to result in the amino acid substitution p.Leu18Val. To our knowledge, this variant has not been reported in the literature. This variant is reported in 0.0029% of alleles in individuals of European (Non-Finnish) descent in gnomAD. At this time, the clinical significance of this variant is uncertain due to the absence of conclusive functional and genetic evidence.

NM_001276379.2(LZTFL1):c.52T>G (p.Leu18Val)

Gene: LZTFL1 (leucine zipper transcription factor like 1; minus strand). Cytogenetic location: 3p21.31.
Variant type: single nucleotide variant.
Coding change: c.52T>G on transcript NM_001276379.2; coding-DNA position 52, T replaced by G.
Protein change: p.Leu18Val; replaces leucine 18 with valine.
Molecular consequence: missense variant. On other transcripts: non-coding transcript variant (1), intron variant (2), 5 prime UTR variant (4).
Genome position (GRCh38, 1-based): chr3:45,855,050, A>C on the plus strand (T>G on the coding strand, the complement: LZTFL1 is on the minus strand). VCF-style: chr3-45855050-A-C. GRCh37 (hg19) VCF-style: chr3-45896542-A-C.
Other names: c.28-16999T>G (NM_001405925.1, NM_001405920.1); c.-113T>G (NM_001276378.2, NM_001405923.1, NM_001405926.1 and 1 more transcripts); c.52T>G, p.Leu18Val (NM_001405921.1); short protein forms L18V.
Identifiers: ClinVar variation 3039964 (VCV003039964.2), dbSNP rs1415828303, ClinGen allele CA352437024.